The following is an entry in ClinVar:

ClinVar aggregate classification (germline): Uncertain significance (1 of 4 stars; one submission).

Conditions:
Pulmonary fibrosis and/or bone marrow failure, Telomere-related, 1. Also called: PULMONARY FIBROSIS AND/OR BONE MARROW FAILURE SYNDROME, TELOMERE-RELATED, 1. Identifiers: Orphanet 88, MedGen C3553617, MONDO:0013878, OMIM 614742.

Submission:

Victorian Clinical Genetics Services, Murdoch Childrens Research Institute
Classification: Uncertain significance for Pulmonary fibrosis and/or bone marrow failure, Telomere-related, 1. Last evaluated: 2025-12-29. Review status: criteria provided, single submitter. Criteria: ACMG Guidelines, 2015. Collection method: clinical testing. Allele origin: germline. Affected: yes.
Comment: This variant is classified as VUS-3B. Evidence in support of pathogenic classification: Variant is absent from gnomAD (v2, v3 and v4); Missense variant in a region that is highly intolerant to missense variation (high constraint region in DECIPHER). Additional information: Variant is predicted to result in a missense amino acid change from Pro to Leu; This variant is heterozygous; This gene is associated with both recessive and dominant disease. No specific genotype-phenotype correlations have been established (PMID: 20301779); This variant has no previous evidence of pathogenicity; No published evidence of segregation with disease has been identified for this variant; No published functional evidence has been identified for this variant; Other missense variant(s) comparable to the one identified in this case have inconclusive previous evidence for pathogenicity. p.(Pro23Gln) and p.(Pro23Ser) have been classified as VUS by clinical laboratories in ClinVar; Missense variant with inconclusive in silico prediction and/or uninformative conservation; Loss of function is a known mechanism of disease in this gene and is associated with autosomal dominant dyskeratosis congenita 2 and autosomal recessive dyskeratosis congenita 4 (MIM#613989) and telomere-related pulmonary fibrosis and/or bone marrow failure 1 (MIM#614742); Variants in this gene are known to have variable expressivity. Phenotypic variability is well reported for dyskeratosis congenita (OMIM, PMID: 20301779); Inheritance information for this variant is not currently available in this individual.

Literature cited by the submitters: PubMed 20301779.

NM_198253.3(TERT):c.68C>T (p.Pro23Leu)

Genes: TERT (telomerase reverse transcriptase; minus strand), LOC110806263 (TERT 5' regulatory region; plus strand). Cytogenetic location: 5p15.33.
Variant type: single nucleotide variant.
Coding change: c.68C>T on transcript NM_198253.3 (MANE Select); coding-DNA position 68, C replaced by T.
Protein change: p.Pro23Leu; replaces proline 23 with leucine.
Molecular consequence: missense variant. On other transcripts: non-coding transcript variant (2).
Genome position (GRCh38, 1-based): chr5:1,294,922, G>A on the plus strand (C>T on the coding strand, the complement: TERT is on the minus strand). VCF-style: chr5-1294922-G-A. GRCh37 (hg19) VCF-style: chr5-1295037-G-A.
Other names: c.68C>T, p.Pro23Leu (NM_001193376.3); short protein forms P23L.
Identifiers: ClinVar variation 4819006 (VCV004819006.1).